The following is an entry in ClinVar:

NM_005984.5(SLC25A1):c.95-17G>A

Gene: SLC25A1 (solute carrier family 25 member 1; minus strand). Cytogenetic location: 22q11.21.
Variant type: single nucleotide variant.
Coding change: c.95-17G>A on transcript NM_005984.5 (MANE Select); 17 bases into the intron before coding-DNA position 95, G replaced by A.
Molecular consequence: intron variant. On other transcripts: synonymous variant (1).
Genome position (GRCh38, 1-based): chr22:19,178,257, C>T on the plus strand (G>A on the coding strand, the complement: SLC25A1 is on the minus strand). VCF-style: chr22-19178257-C-T. GRCh37 (hg19) VCF-style: chr22-19165770-C-T.
Other names: c.99G>A, p.Gly33= (NM_001256534.2); c.-215-17G>A (NM_001287387.2); c.99G>A (NM_001256534.1).
Identifiers: ClinVar variation 1564297 (VCV001564297.9), dbSNP rs782424329, ClinGen allele CA10097527.

ClinVar aggregate classification (germline): Likely benign. Review status: criteria provided, multiple submitters, no conflicts (2 of 4 stars). 2 submissions from 2 submitters: Likely benign (2). Last evaluated 2025-04-17.

Conditions:
SLC25A1-related disorder. Also called: SLC25A1-related condition.

Allele frequency attached by ClinVar (database versions not stated): gnomAD exomes 0.00003 and 0.00004; gnomAD 0.00032 and 0.00035; TOPMed 0.00044.

Submissions (2):

Labcorp Genetics (formerly Invitae), Labcorp
Classification: Likely benign. Last evaluated: 2025-04-17. Review status: criteria provided, single submitter. Criteria: Invitae Variant Classification Sherloc (09022015). Collection method: clinical testing. Allele origin: germline.

PreventionGenetics, part of Exact Sciences
Classification: Likely benign for SLC25A1-related condition. Last evaluated: 2025-01-30. Review status: criteria provided, single submitter. Criteria: ACMG Guidelines, 2015. Collection method: clinical testing. Allele origin: germline.
Comment: This variant is classified as likely benign based on ACMG/AMP sequence variant interpretation guidelines (Richards et al. 2015 PMID: 25741868, with internal and published modifications).